The following is an entry in ClinVar:

NM_144628.4(TBC1D20):c.70+15C>T

Genes: TBC1D20 (TBC1 domain family member 20; minus strand), LOC130065265 (ATAC-STARR-seq lymphoblastoid silent region 12577; plus strand). Cytogenetic location: 20p13.
Variant type: single nucleotide variant.
Coding change: c.70+15C>T on transcript NM_144628.4 (MANE Select); 15 bases into the intron after coding-DNA position 70, C replaced by T.
Molecular consequence: intron variant.
Genome position (GRCh38, 1-based): chr20:462,321, G>A on the plus strand (C>T on the coding strand, the complement: TBC1D20 is on the minus strand). VCF-style: chr20-462321-G-A. GRCh37 (hg19) VCF-style: chr20-442965-G-A.
Identifiers: ClinVar variation 389325 (VCV000389325.11), dbSNP rs563674810, ClinGen allele CA9723731.
Genomic context (GRCh38, chr20:462,321, plus strand): 5'-CCGCCTCCGCCAGCTGCCCCTGCCCCCCGGGCCGCCCTCGCAGGCCGCTCCCGGCGCCCC[G>A]GTCGGCTTCCGTACCTGCCTTCTCCGCGCCGCCGTCCCAGTGGCCGGAGGTGGGGCCGTC-3'

ClinVar aggregate classification (germline): Benign/Likely benign. Review status: criteria provided, multiple submitters, no conflicts (2 of 4 stars). 4 submissions from 4 submitters: Benign (1); Likely benign (3). Last evaluated 2025-12-22.

Allele frequency attached by ClinVar (database versions not stated): ExAC below 0.00001; gnomAD exomes 0.00027 and 0.00039; 1000 Genomes Project 0.00359; gnomAD 0.00412 and 0.00442; TOPMed 0.00421; 1000 Genomes Project 30x 0.00437.
gnomAD v4.1: 1,084 of 1,287,466 alleles (0.084%); highest among the groups gnomAD compares: African/African-American, 1.5%; 5 homozygotes.

Submissions (4):

Labcorp Genetics (formerly Invitae), Labcorp
Classification: Benign. Last evaluated: 2025-12-22. Review status: criteria provided, single submitter. Criteria: Invitae Variant Classification Sherloc (09022015). Collection method: clinical testing. Allele origin: germline.

Blueprint Genetics
Classification: Likely benign. Last evaluated: 2024-11-28. Review status: criteria provided, single submitter. Criteria: ACMG Guidelines, 2015. Collection method: clinical testing. Allele origin: germline.

GeneDx
Classification: Likely benign. Last evaluated: 2017-09-11. Review status: criteria provided, single submitter. Criteria: GeneDx Variant Classification (06012015). Collection method: clinical testing. Allele origin: germline. Affected: yes.
Comment: This variant is considered likely benign or benign based on one or more of the following criteria: it is a conservative change, it occurs at a poorly conserved position in the protein, it is predicted to be benign by multiple in silico algorithms, and/or has population frequency not consistent with disease.

Breakthrough Genomics
Classification: Likely benign. Review status: criteria provided, single submitter. Criteria: ACMG Guidelines, 2015. Collection method: not provided. Allele origin: germline. Inheritance: Autosomal recessive inheritance. Affected: yes.